The following is an entry in ClinVar:

ClinVar aggregate classification (germline): Uncertain significance (1 of 4 stars; one submission).

Conditions:
Leukodystrophy, hypomyelinating, 27 (HLD27). Identifiers: MedGen C5882743, MONDO:0958018, OMIM 620675.
Acrofacial dysostosis Cincinnati type. Identifiers: Orphanet 1200, MedGen C4225317, MONDO:0014651, OMIM 616462.

gnomAD v4.1: 12 of 1,613,566 alleles (0.00074%); highest among the groups gnomAD compares: East Asian, 0.0067%; no homozygotes.

Submission:

Juno Genomics, Hangzhou Juno Genomics, Inc
Classification: Uncertain significance for Leukodystrophy, hypomyelinating, 27; Acrofacial dysostosis Cincinnati type. Review status: criteria provided, single submitter. Criteria: ACMG Guidelines, 2015. Collection method: clinical testing. Allele origin: germline.
Comment: Missense variant in a gene that has a low rate of benign missense variation.;Multiple lines of computational evidence support a deleterious effect on the gene or gene product.;Absent from controls (or at extremely low frequency if recessive) in Genome Aggregation Database.

NM_015425.6(POLR1A):c.1510C>T (p.Arg504Cys)

Gene: POLR1A (RNA polymerase I subunit A; minus strand). Cytogenetic location: 2p11.2.
Variant type: single nucleotide variant.
Coding change: c.1510C>T on transcript NM_015425.6 (MANE Select); coding-DNA position 1510, C replaced by T.
Protein change: p.Arg504Cys; replaces arginine 504 with cysteine.
Molecular consequence: missense variant.
Genome position (GRCh38, 1-based): chr2:86,075,131, G>A on the plus strand (C>T on the coding strand, the complement: POLR1A is on the minus strand). VCF-style: chr2-86075131-G-A. GRCh37 (hg19) VCF-style: chr2-86302254-G-A.
Other names: short protein forms R504C.
Identifiers: ClinVar variation 5006342 (VCV005006342.2).
Genomic context (GRCh38, chr2:86,075,131, plus strand): 5'-TCAGAAGCTGCTTGGCCACGGCCTCTCGCTGGGTCATGTCCACAGCGCTCAGGGCTGTGC[G>A]GCTGCCGTCCTCATTGATGACCATGGAGGCTCCTGGGTGCACATTAGGGCCGTTGATGAC-3'
Protein context (NP_056240.2, residues 494-514): ASMVINEDGS[Arg504Cys]TALSAVDMTQ